The following is an entry in ClinVar:

NM_014467.3(SRPX2):c.431G>A (p.Arg144His)

Gene: SRPX2 (sushi repeat containing protein X-linked 2; plus strand). Cytogenetic location: Xq22.1.
Variant type: single nucleotide variant.
Coding change: c.431G>A on transcript NM_014467.3 (MANE Select); coding-DNA position 431, G replaced by A.
Protein change: p.Arg144His; replaces arginine 144 with histidine.
Molecular consequence: missense variant.
Genome position (GRCh38, 1-based): chrX:100,664,849, G>A. VCF-style: chrX-100664849-G-A. GRCh37 (hg19) VCF-style: chrX-99919846-G-A.
Other names: short protein forms R144H.
Identifiers: ClinVar variation 941335 (VCV000941335.10), dbSNP rs758942073, ClinGen allele CA10469487.

ClinVar aggregate classification (germline): Uncertain significance (1 of 4 stars; one submission).

Conditions:
Rolandic epilepsy, impaired intellectual development, and speech dyspraxia, X-linked. Also called: Rolandic epilepsy, intellectual disability, and speech dyspraxia, X-linked; Rolandic epilepsy, impaired intellectual development, and speech dyspraxia. Identifiers: MedGen C1845070, MONDO:0010388, OMIM 300643.

Allele frequency attached by ClinVar (database versions not stated): gnomAD 0.00001; TOPMed 0.00001; gnomAD exomes 0.00002 and 0.00001; ExAC 0.00003.
gnomAD v4.1: 12 of 1,209,796 alleles (0.00099%); highest among the groups gnomAD compares: Admixed American, 0.0022%; no homozygotes.

Submission:

Labcorp Genetics (formerly Invitae), Labcorp
Classification: Uncertain significance for Rolandic epilepsy, impaired intellectual development, and speech dyspraxia, X-linked. Last evaluated: 2020-03-03. Review status: criteria provided, single submitter. Criteria: Invitae Variant Classification Sherloc (09022015). Collection method: clinical testing. Allele origin: germline.
Comment: In summary, the available evidence is currently insufficient to determine the role of this variant in disease. Therefore, it has been classified as a Variant of Uncertain Significance. Algorithms developed to predict the effect of missense changes on protein structure and function are either unavailable or do not agree on the potential impact of this missense change (SIFT: "Deleterious"; PolyPhen-2: "Benign"; Align-GVGD: "Class C25"). This variant has not been reported in the literature in individuals with SRPX2-related conditions. This variant is present in population databases (rs758942073, ExAC 0.006%). This sequence change replaces arginine with histidine at codon 144 of the SRPX2 protein (p.Arg144His). The arginine residue is highly conserved and there is a small physicochemical difference between arginine and histidine.